The following is an entry in ClinVar:

NM_001042492.3(NF1):c.7619del (p.Thr2540fs)

Gene: NF1 (neurofibromin 1; plus strand). Cytogenetic location: 17q11.2.
Variant type: Deletion.
Coding change: c.7619del on transcript NM_001042492.3 (MANE Select); coding-DNA position 7619, one base deleted (C; older notation c.7619delC).
Protein change: p.Thr2540fs; shifts the reading frame from threonine 2540.
Molecular consequence: frameshift variant.
Genome position (GRCh38, 1-based): chr17:31,356,463, C deleted. VCF-style (leftmost placement, unchanged base first): chr17-31356462-AC-A. GRCh37 (hg19) VCF-style: chr17-29683480-AC-A.
Other names: c.7556delC, p.Thr2519Lysfs (NM_000267.4); short protein forms T2519fs, T2540fs.
Identifiers: ClinVar variation 1423472 (VCV001423472.6), dbSNP rs2151580997, ClinGen allele CA2573153861.

ClinVar aggregate classification (germline): Pathogenic (1 of 4 stars; one submission).

Conditions:
Neurofibromatosis, type 1 (NF1). Also called: VON RECKLINGHAUSEN DISEASE; NEUROFIBROMATOSIS, TYPE I, SOMATIC; Neurofibromatosis, type I; Peripheral type neurofibromatosis. Identifiers: Orphanet 636, MedGen C0027831, MONDO:0018975, OMIM 162200. Disease mechanism: loss of function.

Submission:

Labcorp Genetics (formerly Invitae), Labcorp
Classification: Pathogenic for Neurofibromatosis, type 1. Last evaluated: 2021-03-22. Review status: criteria provided, single submitter. Criteria: Invitae Variant Classification Sherloc (09022015). Collection method: clinical testing. Allele origin: germline.
Comment: For these reasons, this variant has been classified as Pathogenic. This variant has not been reported in the literature in individuals with NF1-related conditions. This variant is not present in population databases (ExAC no frequency). This sequence change creates a premature translational stop signal (p.Thr2519Lysfs*8) in the NF1 gene. It is expected to result in an absent or disrupted protein product. Loss-of-function variants in NF1 are known to be pathogenic (PMID: 10712197, 23913538).

Literature cited by the submitters: PubMed 10712197; PubMed 23913538.